The following is an entry in ClinVar:

NM_012123.4(MTO1):c.49A>G (p.Lys17Glu)

Gene: MTO1 (mitochondrial tRNA translation optimization 1; plus strand). Cytogenetic location: 6q13.
Variant type: single nucleotide variant.
Coding change: c.49A>G on transcript NM_012123.4 (MANE Select); coding-DNA position 49, A replaced by G.
Protein change: p.Lys17Glu; replaces lysine 17 with glutamic acid.
Molecular consequence: missense variant.
Genome position (GRCh38, 1-based): chr6:73,461,903, A>G. VCF-style: chr6-73461903-A-G. GRCh37 (hg19) VCF-style: chr6-74171626-A-G.
Other names: p.Lys17Glu; c.49A>G (NM_012123.3, NM_001123226.1); c.49A>G, p.Lys17Glu (NM_001123226.2, NM_133645.3); short protein forms K17E.
Identifiers: ClinVar variation 1419663 (VCV001419663.7), dbSNP rs145625396, ClinGen allele CA3889211.

ClinVar aggregate classification (germline): Uncertain significance. Review status: criteria provided, multiple submitters, no conflicts (2 of 4 stars). 4 submissions from 4 submitters: Uncertain significance (4). Last evaluated 2025-11-03.

Conditions:
Mitochondrial hypertrophic cardiomyopathy with lactic acidosis due to MTO1 deficiency. Also called: CARDIOMYOPATHY, INFANTILE HYPERTROPHIC MITOCHONDRIAL, AND LACTIC ACIDOSIS; Combined oxidative phosphorylation deficiency 10. Identifiers: Orphanet 314637, MedGen C4749921, MONDO:0013865, OMIM 614702.
Inborn genetic diseases. Identifiers: MedGen C0950123, MeSH D030342.

Allele frequency attached by ClinVar (database versions not stated): 1000 Genomes Project 0.00020; gnomAD 0.00026 and 0.00025; gnomAD exomes 0.00008; ExAC 0.00009; 1000 Genomes Project 30x 0.00031; ESP Exome Variant Server 0.00023; TOPMed 0.00037.
gnomAD v4.1: 92 of 1,614,162 alleles (0.0057%); highest among the groups gnomAD compares: African/African-American, 0.11%; no homozygotes.

Submissions (4):

GeneDx
Classification: Uncertain significance. Last evaluated: 2025-11-03. Review status: criteria provided, single submitter. Criteria: GeneDx Variant Classification Process June 2021. Collection method: clinical testing. Allele origin: germline.
Comment: In silico analysis suggests that this missense variant does not alter protein structure/function; Has not been previously published as pathogenic or benign to our knowledge

Mayo Clinic Laboratories, Mayo Clinic
Classification: Uncertain significance. Last evaluated: 2025-07-25. Review status: criteria provided, single submitter. Criteria: ACMG Guidelines, 2015. Collection method: clinical testing. Allele origin: germline. Observed: 3 variant alleles.
Comment: BP4_moderate

Ambry Genetics
Classification: Uncertain significance for Inborn genetic diseases. Last evaluated: 2025-01-21. Review status: criteria provided, single submitter. Criteria: Ambry Variant Classification Scheme 2023. Collection method: clinical testing. Allele origin: germline.

Labcorp Genetics (formerly Invitae), Labcorp
Classification: Uncertain significance for Mitochondrial hypertrophic cardiomyopathy with lactic acidosis due to MTO1 deficiency. Last evaluated: 2022-07-21. Review status: criteria provided, single submitter. Criteria: Invitae Variant Classification Sherloc (09022015). Collection method: clinical testing. Allele origin: germline.
Comment: This sequence change replaces lysine, which is basic and polar, with glutamic acid, which is acidic and polar, at codon 17 of the MTO1 protein (p.Lys17Glu). This variant is present in population databases (rs145625396, gnomAD 0.1%). This variant has not been reported in the literature in individuals affected with MTO1-related conditions. ClinVar contains an entry for this variant (Variation ID: 1419663). Algorithms developed to predict the effect of missense changes on protein structure and function (SIFT, PolyPhen-2, Align-GVGD) all suggest that this variant is likely to be tolerated. In summary, the available evidence is currently insufficient to determine the role of this variant in disease. Therefore, it has been classified as a Variant of Uncertain Significance.